The following is an entry in ClinVar:

NM_005896.4(IDH1):c.620T>G (p.Leu207Trp)

Gene: IDH1 (isocitrate dehydrogenase (NADP(+)) 1; minus strand). Cytogenetic location: 2q34.
Variant type: single nucleotide variant.
Coding change: c.620T>G on transcript NM_005896.4 (MANE Select); coding-DNA position 620, T replaced by G.
Protein change: p.Leu207Trp; replaces leucine 207 with tryptophan.
Molecular consequence: missense variant.
Genome position (GRCh38, 1-based): chr2:208,243,505, A>C on the plus strand (T>G on the coding strand, the complement: IDH1 is on the minus strand). VCF-style: chr2-208243505-A-C. GRCh37 (hg19) VCF-style: chr2-209108229-A-C.
Other names: c.620T>G, p.Leu207Trp (NM_001282386.1, NM_001282387.1); short protein forms L207W.
Identifiers: ClinVar variation 2491905 (VCV002491905.2), dbSNP rs768250871, ClinGen allele CA2078952.

ClinVar aggregate classification (germline): Uncertain significance (1 of 4 stars; one submission).

Allele frequency attached by ClinVar (database versions not stated): gnomAD exomes below 0.00001; ExAC 0.00001.
gnomAD v4.1: 2 of 1,614,090 alleles (0.00012%); highest among the groups gnomAD compares: East Asian, 0.0045%; no homozygotes.

Submission:

Ambry Genetics
Classification: Uncertain significance. Last evaluated: 2023-02-25. Review status: criteria provided, single submitter. Criteria: Ambry Variant Classification Scheme 2023. Collection method: clinical testing. Allele origin: germline.
Comment: The p.L207W variant (also known as c.620T>G), located in coding exon 4 of the IDH1 gene, results from a T to G substitution at nucleotide position 620. The leucine at codon 207 is replaced by tryptophan, an amino acid with similar properties. This amino acid position is conserved. In addition, this alteration is predicted to be deleterious by in silico analysis. Since supporting evidence is limited at this time, the clinical significance of this alteration remains unclear.